The following is an entry in ClinVar:

ClinVar aggregate classification (germline): Likely benign (1 of 4 stars; one submission).

Allele frequency attached by ClinVar (database versions not stated): gnomAD 0.00992 and 0.01064; TOPMed 0.01077; 1000 Genomes Project 30x 0.01202; 1000 Genomes Project 0.01218.
gnomAD v4.1: 1,496 of 152,296 alleles (0.98%); highest among the groups gnomAD compares: African/African-American, 3.4%; 22 homozygotes.

Submission:

GeneDx
Classification: Likely benign. Last evaluated: 2018-06-14. Review status: criteria provided, single submitter. Criteria: GeneDx Variant Classification (06012015). Collection method: clinical testing. Allele origin: germline. Affected: yes.
Comment: This variant is considered likely benign or benign based on one or more of the following criteria: it is a conservative change, it occurs at a poorly conserved position in the protein, it is predicted to be benign by multiple in silico algorithms, and/or has population frequency not consistent with disease.

NM_003978.5(PSTPIP1):c.417+156C>T

Gene: PSTPIP1 (proline-serine-threonine phosphatase interacting protein 1; plus strand). Cytogenetic location: 15q24.3.
Variant type: single nucleotide variant.
Coding change: c.417+156C>T on transcript NM_003978.5 (MANE Select); 156 bases into the intron after coding-DNA position 417, C replaced by T.
Molecular consequence: intron variant.
Genome position (GRCh38, 1-based): chr15:77,028,070, C>T. VCF-style: chr15-77028070-C-T. GRCh37 (hg19) VCF-style: chr15-77320411-C-T.
Other names: c.612+156C>T (NM_001321137.1); c.390+156C>T (NM_001321136.2); c.417+156C>T (NM_001321135.2).
Identifiers: ClinVar variation 677840 (VCV000677840.1), dbSNP rs113421352, ClinGen allele CA273754658.